The following is an entry in ClinVar:

ClinVar aggregate classification (germline): Uncertain significance. Review status: criteria provided, multiple submitters, no conflicts (2 of 4 stars). 3 submissions from 3 submitters: Uncertain significance (3). Last evaluated 2025-06-07.

Conditions:
Inborn genetic diseases. Identifiers: MedGen C0950123, MeSH D030342.
Oculootoradial syndrome (IVIC). Also called: RADIAL RAY DEFECTS, HEARING IMPAIRMENT, EXTERNAL OPHTHALMOPLEGIA, AND THROMBOCYTOPENIA; IVIC syndrome. Identifiers: Orphanet 2307, MedGen C1327918, MONDO:0007836, OMIM 147750.
Duane-radial ray syndrome (DRRS). Also called: Okihiro Syndrome; Duane-Radial Ray Syndrome/Okihiro Syndrome; ACRORENOOCULAR SYNDROME; Duane-Radial Ray Syndrome (DRRS) / Okihiro Syndrome; DR SYNDROME; DUANE ANOMALY WITH RADIAL RAY ABNORMALITIES AND DEAFNESS. Identifiers: Orphanet 93293, Orphanet 959, MedGen C1623209, MONDO:0011812, OMIM 607323. Disease mechanism: gain of function.

Allele frequency attached by ClinVar (database versions not stated): ExAC 0.00003; gnomAD 0.00003 and 0.00004; gnomAD exomes 0.00003 and 0.00007; TOPMed 0.00005.

Submissions (3):

Ambry Genetics
Classification: Uncertain significance for Inborn genetic diseases. Last evaluated: 2025-06-07. Review status: criteria provided, single submitter. Criteria: Ambry Variant Classification Scheme 2023. Collection method: clinical testing. Allele origin: germline.

Fulgent Genetics
Classification: Uncertain significance for Oculootoradial syndrome; Duane-radial ray syndrome. Last evaluated: 2022-03-21. Review status: criteria provided, single submitter. Criteria: ACMG Guidelines, 2015. Collection method: clinical testing. Allele origin: unknown.

Labcorp Genetics (formerly Invitae), Labcorp
Classification: Uncertain significance for Duane-radial ray syndrome. Last evaluated: 2020-04-08. Review status: criteria provided, single submitter. Criteria: Invitae Variant Classification Sherloc (09022015). Collection method: clinical testing. Allele origin: germline.
Comment: In summary, the available evidence is currently insufficient to determine the role of this variant in disease. Therefore, it has been classified as a Variant of Uncertain Significance. Algorithms developed to predict the effect of missense changes on protein structure and function output the following: SIFT: "Tolerated"; PolyPhen-2: "Benign"; Align-GVGD: "Class C0". The glutamine amino acid residue is found in multiple mammalian species, suggesting that this missense change does not adversely affect protein function. These predictions have not been confirmed by published functional studies and their clinical significance is uncertain. This variant has not been reported in the literature in individuals with SALL4-related disease. This variant is present in population databases (rs773046204, ExAC 0.02%). This sequence change replaces arginine with glutamine at codon 68 of the SALL4 protein (p.Arg68Gln). The arginine residue is weakly conserved and there is a small physicochemical difference between arginine and glutamine.

NM_020436.5(SALL4):c.203G>A (p.Arg68Gln)

Gene: SALL4 (spalt like transcription factor 4; minus strand). Cytogenetic location: 20q13.2.
Variant type: single nucleotide variant.
Coding change: c.203G>A on transcript NM_020436.5 (MANE Select); coding-DNA position 203, G replaced by A.
Protein change: p.Arg68Gln; replaces arginine 68 with glutamine.
Molecular consequence: missense variant.
Genome position (GRCh38, 1-based): chr20:51,792,280, C>T on the plus strand (G>A on the coding strand, the complement: SALL4 is on the minus strand). VCF-style: chr20-51792280-C-T. GRCh37 (hg19) VCF-style: chr20-50408819-C-T.
Other names: c.203G>A (LRG_675t1); c.203G>A, p.Arg68Gln (NM_001318031.2); short protein forms R68Q.
Identifiers: ClinVar variation 574506 (VCV000574506.11), dbSNP rs773046204, ClinGen allele CA9912511.